The following is an entry in ClinVar:

ClinVar aggregate classification (germline): Conflicting classifications of pathogenicity. Review status: criteria provided, conflicting classifications (1 of 4 stars). 2 submissions from 2 submitters: Uncertain significance (1); Likely benign (1). Last evaluated 2025-12-03.

Conditions:
Hereditary diffuse gastric adenocarcinoma (HDGC). Also called: DIFFUSE GASTRIC AND LOBULAR BREAST CANCER SYNDROME. Identifiers: Orphanet 26106, MedGen C1708349, MONDO:0007648, OMIM 137215.
Hereditary cancer-predisposing syndrome. Also called: Neoplastic Syndromes, Hereditary; Hereditary neoplastic syndrome; Tumor predisposition; Hereditary Cancer Syndrome. Identifiers: Orphanet 140162, MedGen C0027672, MeSH D009386, MONDO:0015356.

Submissions (2):

Ambry Genetics
Classification: Likely benign for Hereditary cancer-predisposing syndrome. Last evaluated: 2025-12-03. Review status: criteria provided, single submitter. Criteria: Ambry Variant Classification Scheme 2023. Collection method: clinical testing. Allele origin: germline.

Labcorp Genetics (formerly Invitae), Labcorp
Classification: Uncertain significance for Hereditary diffuse gastric adenocarcinoma. Last evaluated: 2019-05-28. Review status: criteria provided, single submitter. Criteria: Invitae Variant Classification Sherloc (09022015). Collection method: clinical testing. Allele origin: germline.
Comment: This sequence change replaces asparagine with isoleucine at codon 405 of the CDH1 protein (p.Asn405Ile). The asparagine residue is moderately conserved and there is a large physicochemical difference between asparagine and isoleucine. In summary, the available evidence is currently insufficient to determine the role of this variant in disease. Therefore, it has been classified as a Variant of Uncertain Significance. Algorithms developed to predict the effect of missense changes on protein structure and function are either unavailable or do not agree on the potential impact of this missense change (SIFT: "Deleterious"; PolyPhen-2: "Possibly Damaging"; Align-GVGD: "Class C0"). This variant has not been reported in the literature in individuals with CDH1-related conditions. This variant is not present in population databases (ExAC no frequency).

NM_004360.5(CDH1):c.1214A>T (p.Asn405Ile)

Gene: CDH1 (cadherin 1; plus strand). Cytogenetic location: 16q22.1.
Variant type: single nucleotide variant.
Coding change: c.1214A>T on transcript NM_004360.5 (MANE Select); coding-DNA position 1214, A replaced by T.
Protein change: p.Asn405Ile; replaces asparagine 405 with isoleucine.
Molecular consequence: missense variant. On other transcripts: 5 prime UTR variant (2), intron variant (1).
Genome position (GRCh38, 1-based): chr16:68,813,389, A>T. VCF-style: chr16-68813389-A-T. GRCh37 (hg19) VCF-style: chr16-68847292-A-T.
Other names: c.-402A>T (NM_001317185.2); c.-606A>T (NM_001317186.2); c.1137+1126A>T (NM_001317184.2); short protein forms N405I.
Identifiers: ClinVar variation 838655 (VCV000838655.13), dbSNP rs587778175, ClinGen allele CA396461332.